The following is an entry in ClinVar:

ClinVar aggregate classification (germline): Uncertain significance (1 of 4 stars; one submission).

Conditions:
Familial thoracic aortic aneurysm and aortic dissection (TAAD). Also called: Thoracic aortic aneurysms and dissections. Identifiers: Orphanet 91387, MedGen C4707243, MONDO:0019625.

Submission:

Labcorp Genetics (formerly Invitae), Labcorp
Classification: Uncertain significance for Familial thoracic aortic aneurysm and aortic dissection. Last evaluated: 2024-10-18. Review status: criteria provided, single submitter. Criteria: Invitae Variant Classification Sherloc (09022015). Collection method: clinical testing. Allele origin: germline.
Comment: This sequence change affects an acceptor splice site in intron 8 of the SMAD3 gene. While this variant is not anticipated to result in nonsense mediated decay, it likely alters RNA splicing and results in a disrupted protein product. This variant is not present in population databases (gnomAD no frequency). This variant has not been reported in the literature in individuals affected with SMAD3-related conditions. ClinVar contains an entry for this variant (Variation ID: 1469284). Variants that disrupt the consensus splice site are a relatively common cause of aberrant splicing (PMID: 17576681, 9536098). Algorithms developed to predict the effect of sequence changes on RNA splicing suggest that this variant may disrupt the consensus splice site. In summary, the available evidence is currently insufficient to determine the role of this variant in disease. Therefore, it has been classified as a Variant of Uncertain Significance.

Literature cited by the submitters: PubMed 17576681; PubMed 9536098.

NM_005902.4(SMAD3):c.1155-1G>A

Gene: SMAD3 (SMAD family member 3; plus strand). Cytogenetic location: 15q22.33.
Variant type: single nucleotide variant.
Coding change: c.1155-1G>A on transcript NM_005902.4 (MANE Select); the canonical splice acceptor site of the intron before coding-DNA position 1155, G replaced by A.
Molecular consequence: splice acceptor variant.
Genome position (GRCh38, 1-based): chr15:67,190,412, G>A. VCF-style: chr15-67190412-G-A. GRCh37 (hg19) VCF-style: chr15-67482750-G-A.
Other names: c.1266-1G>A (NM_001407011.1); c.1017-1G>A (NM_001407013.1); c.1023-1G>A (NM_001407012.1, NM_001145103.2); c.1008-1G>A (NM_001407014.1); c.840-1G>A (NM_001145102.2, NM_001407016.1); c.708-1G>A (NM_001407015.1); c.570-1G>A (NM_001145104.2, NM_001407017.1).
Identifiers: ClinVar variation 1469284 (VCV001469284.6), dbSNP rs1963331116, ClinGen allele CA392958601.